The following is an entry in ClinVar:

ClinVar aggregate classification (germline): Pathogenic. Review status: criteria provided, multiple submitters, no conflicts (2 of 4 stars). 2 submissions from 2 submitters: Pathogenic (2). Last evaluated 2025-06-18.

Conditions:
Familial hypocalciuric hypercalcemia (FHH). Also called: Familial benign hypercalcemia. Identifiers: Orphanet 405, MedGen C1809471, MONDO:0018458.
Autosomal dominant hypocalcemia 1 (HYPOC1). Also called: HYPOCALCEMIA, FAMILIAL. Identifiers: MedGen C3715128, MONDO:0011013, OMIM 601198.

Submissions (2):

Women's Health and Genetics/Laboratory Corporation of America, LabCorp
Classification: Pathogenic for Familial hypocalciuric hypercalcemia. Last evaluated: 2025-06-18. Review status: criteria provided, single submitter. Criteria: LabCorp Variant Classification Summary - May 2015. Collection method: clinical testing. Allele origin: germline.
Comment: Variant summary: CASR c.1163C>A (p.Ser388X) results in a premature termination codon, predicted to cause a truncation of the encoded protein or absence of the protein due to nonsense mediated decay, which are commonly known mechanisms for disease. The variant was absent in 251394 control chromosomes. To our knowledge, no occurrence of c.1163C>A in individuals affected with CASR-related conditions and no experimental evidence demonstrating its impact on protein function have been reported. No submitters have cited clinical-significance assessments for this variant to ClinVar. Based on the evidence outlined above, the variant was classified as pathogenic for autosomal dominant Familial Hypocalciuric Hypercalcemia and autosomal recessive Neonatal Severe Hyperparathyroidism.

Labcorp Genetics (formerly Invitae), Labcorp
Classification: Pathogenic for Familial hypocalciuric hypercalcemia; Autosomal dominant hypocalcemia 1. Last evaluated: 2025-05-15. Review status: criteria provided, single submitter. Criteria: Invitae Variant Classification Sherloc (09022015). Collection method: clinical testing. Allele origin: germline.
Comment: This sequence change creates a premature translational stop signal (p.Ser388*) in the CASR gene. It is expected to result in an absent or disrupted protein product. Loss-of-function variants in CASR are known to be pathogenic (PMID: 11807402, 14985373, 22422767). This variant is not present in population databases (gnomAD no frequency). This variant has not been reported in the literature in individuals affected with CASR-related conditions. For these reasons, this variant has been classified as Pathogenic.

Literature cited by the submitters: PubMed 11807402 (cited by Labcorp Genetics (formerly Invitae), Labcorp); PubMed 14985373 (cited by Labcorp Genetics (formerly Invitae), Labcorp); PubMed 22422767 (cited by Labcorp Genetics (formerly Invitae), Labcorp).

NM_000388.4(CASR):c.1163C>A (p.Ser388Ter)

Gene: CASR (calcium sensing receptor; plus strand). Cytogenetic location: 3q21.1.
Variant type: single nucleotide variant.
Coding change: c.1163C>A on transcript NM_000388.4 (MANE Select); coding-DNA position 1163, C replaced by A.
Protein change: p.Ser388Ter; replaces serine 388 with a stop codon.
Molecular consequence: nonsense.
Genome position (GRCh38, 1-based): chr3:122,262,198, C>A. VCF-style: chr3-122262198-C-A. GRCh37 (hg19) VCF-style: chr3-121981045-C-A.
Other names: c.1163C>A, p.Ser388Ter (NM_001178065.2); short protein forms S388*.
Identifiers: ClinVar variation 3907018 (VCV003907018.2).